The following is an entry in ClinVar:

NM_133433.4(NIPBL):c.2227C>T (p.Arg743Cys)

Gene: NIPBL (NIPBL cohesin loading factor; plus strand). Cytogenetic location: 5p13.2.
Variant type: single nucleotide variant.
Coding change: c.2227C>T on transcript NM_133433.4 (MANE Select); coding-DNA position 2227, C replaced by T.
Protein change: p.Arg743Cys; replaces arginine 743 with cysteine.
Molecular consequence: missense variant.
Genome position (GRCh38, 1-based): chr5:36,985,407, C>T. VCF-style: chr5-36985407-C-T. GRCh37 (hg19) VCF-style: chr5-36985509-C-T.
Other names: c.2227C>T, p.Arg743Cys (NM_015384.5); short protein forms R743C.
Identifiers: ClinVar variation 2099132 (VCV002099132.4), dbSNP rs1218778836, ClinGen allele CA359499776.

ClinVar aggregate classification (germline): Uncertain significance (1 of 4 stars; one submission).

Conditions:
Cornelia de Lange syndrome 1 (CDLS1). Also called: NIPBL-Related Cornelia de Lange Syndrome; Brachmann de Lange syndrome; TYPUS DEGENERATIVUS AMSTELODAMENSIS. Identifiers: Orphanet 199, MedGen C4551851, MONDO:0007387, OMIM 122470.

gnomAD v4.1: 12 of 1,613,486 alleles (0.00074%); highest among the groups gnomAD compares: South Asian, 0.0022%; no homozygotes.

Submission:

Labcorp Genetics (formerly Invitae), Labcorp
Classification: Uncertain significance for Cornelia de Lange syndrome 1. Last evaluated: 2022-07-12. Review status: criteria provided, single submitter. Criteria: Invitae Variant Classification Sherloc (09022015). Collection method: clinical testing. Allele origin: germline.
Comment: In summary, the available evidence is currently insufficient to determine the role of this variant in disease. Therefore, it has been classified as a Variant of Uncertain Significance. This sequence change replaces arginine, which is basic and polar, with cysteine, which is neutral and slightly polar, at codon 743 of the NIPBL protein (p.Arg743Cys). This variant is present in population databases (no rsID available, gnomAD 0.004%). This variant has not been reported in the literature in individuals affected with NIPBL-related conditions. Advanced modeling of protein sequence and biophysical properties (such as structural, functional, and spatial information, amino acid conservation, physicochemical variation, residue mobility, and thermodynamic stability) performed at Invitae indicates that this missense variant is expected to disrupt NIPBL protein function.